The following is an entry in ClinVar:

NM_004385.5(VCAN):c.1778A>C (p.His593Pro)

Gene: VCAN (versican; plus strand). Cytogenetic location: 5q14.3.
Variant type: single nucleotide variant.
Coding change: c.1778A>C on transcript NM_004385.5 (MANE Select); coding-DNA position 1778, A replaced by C.
Protein change: p.His593Pro; replaces histidine 593 with proline.
Molecular consequence: missense variant. On other transcripts: intron variant (2).
Genome position (GRCh38, 1-based): chr5:83,520,084, A>C. VCF-style: chr5-83520084-A-C. GRCh37 (hg19) VCF-style: chr5-82815903-A-C.
Other names: c.1778A>C, p.His593Pro (NM_001164098.2); c.1042+7688A>C (NM_001164097.2, NM_001126336.3); short protein forms H593P.
Identifiers: ClinVar variation 2776279 (VCV002776279.3), dbSNP rs2479049397, ClinGen allele CA360301845.
Genomic context (GRCh38, chr5:83,520,084, plus strand): 5'-TTGACCAAATTCCTGAAGTCATTACGGTGTCAAAGACTTCAGAAGACACCATCCACACTC[A>C]TTTAGAAGACTTGGAGTCAGTCTCAGCATCCACAACTGTTTCCCCTTTAATTATGCCTGA-3'
Protein context (NP_004376.2, residues 583-603): SKTSEDTIHT[His593Pro]LEDLESVSAS

ClinVar aggregate classification (germline): Uncertain significance (1 of 4 stars; one submission).

Submission:

Labcorp Genetics (formerly Invitae), Labcorp
Classification: Uncertain significance. Last evaluated: 2023-09-05. Review status: criteria provided, single submitter. Criteria: Invitae Variant Classification Sherloc (09022015). Collection method: clinical testing. Allele origin: germline.
Comment: In summary, the available evidence is currently insufficient to determine the role of this variant in disease. Therefore, it has been classified as a Variant of Uncertain Significance. This sequence change replaces histidine, which is basic and polar, with proline, which is neutral and non-polar, at codon 593 of the VCAN protein (p.His593Pro). This variant is not present in population databases (gnomAD no frequency). This variant has not been reported in the literature in individuals affected with VCAN-related conditions. Algorithms developed to predict the effect of missense changes on protein structure and function output the following: SIFT: "Not Available"; PolyPhen-2: "Benign"; Align-GVGD: "Not Available". The proline amino acid residue is found in multiple mammalian species, which suggests that this missense change does not adversely affect protein function.